The following is an entry in ClinVar:

ClinVar aggregate classification (germline): Pathogenic (1 of 4 stars; one submission).

Conditions:
Developmental and epileptic encephalopathy, 23 (DEE23). Also called: Epileptic encephalopathy, early infantile, 23. Identifiers: Orphanet 411986, MedGen C4014492, MONDO:0014371, OMIM 615859.

Submission:

Labcorp Genetics (formerly Invitae), Labcorp
Classification: Pathogenic for Developmental and epileptic encephalopathy, 23. Last evaluated: 2024-12-28. Review status: criteria provided, single submitter. Criteria: Invitae Variant Classification Sherloc (09022015). Collection method: clinical testing. Allele origin: germline.
Comment: This sequence change creates a premature translational stop signal (p.Met1781Asnfs*3) in the DOCK7 gene. It is expected to result in an absent or disrupted protein product. Loss-of-function variants in DOCK7 are known to be pathogenic (PMID: 24814191). This variant is not present in population databases (gnomAD no frequency). This variant has not been reported in the literature in individuals affected with DOCK7-related conditions. For these reasons, this variant has been classified as Pathogenic.

Literature cited by the submitters: PubMed 24814191.

NM_001367561.1(DOCK7):c.5368dup (p.Met1790fs)

Gene: DOCK7 (dedicator of cytokinesis 7; minus strand). Cytogenetic location: 1p31.3.
Variant type: Duplication.
Coding change: c.5368dup on transcript NM_001367561.1 (MANE Select); coding-DNA position 5368, one base duplicated (A; older notation c.5368dupA).
Protein change: p.Met1790fs; shifts the reading frame from methionine 1790.
Molecular consequence: frameshift variant.
Genome position (GRCh38, 1-based): chr1:62,489,059, T duplicated on the plus strand (A on the coding strand, the reverse complement: DOCK7 is on the minus strand). VCF-style (leftmost placement, unchanged base first): chr1-62489058-A-AT. GRCh37 (hg19) VCF-style: chr1-62954729-A-AT.
Other names: c.5341dup, p.Met1781fs (NM_001271999.2, NM_001330614.2); c.5248dup, p.Met1750fs (NM_001272000.2, NM_001272001.2); c.5275dup, p.Met1759fs (NM_033407.4); short protein forms M1790fs, M1750fs, M1759fs, M1781fs.
Identifiers: ClinVar variation 3728182 (VCV003728182.2).